The following is an entry in ClinVar:

NM_001195263.2(PDZD7):c.136_145del (p.Lys46fs)

Gene: PDZD7 (PDZ domain containing 7; minus strand). Cytogenetic location: 10q24.31.
Variant type: Deletion.
Coding change: c.136_145del on transcript NM_001195263.2 (MANE Select); coding-DNA positions 136 to 145, 10 bases deleted (AAGCAACAAC; older notation c.136_145delAAGCAACAAC).
Protein change: p.Lys46fs; shifts the reading frame from lysine 46.
Molecular consequence: frameshift variant.
Genome position (GRCh38, 1-based): chr10:101,030,075-101,030,084, GTTGTTGCTT deleted on the plus strand (AAGCAACAAC on the coding strand, the reverse complement: PDZD7 is on the minus strand). VCF-style (leftmost placement, unchanged base first): chr10-101030074-CGTTGTTGCTT-C. GRCh37 (hg19) VCF-style: chr10-102789831-CGTTGTTGCTT-C.
Other names: c.136_145del, p.Lys46fs (NM_001351044.2, NM_024895.5); short protein forms K46fs.
Identifiers: ClinVar variation 2827436 (VCV002827436.3), dbSNP rs2493054073, ClinGen allele CA2739275954.

ClinVar aggregate classification (germline): Pathogenic (1 of 4 stars; one submission).

Submission:

Labcorp Genetics (formerly Invitae), Labcorp
Classification: Pathogenic. Last evaluated: 2023-08-25. Review status: criteria provided, single submitter. Criteria: Invitae Variant Classification Sherloc (09022015). Collection method: clinical testing. Allele origin: germline.
Comment: For these reasons, this variant has been classified as Pathogenic. Algorithms developed to predict the effect of sequence changes on RNA splicing suggest that this variant may disrupt the consensus splice site. This variant has not been reported in the literature in individuals affected with PDZD7-related conditions. This variant is not present in population databases (gnomAD no frequency). This sequence change creates a premature translational stop signal (p.Lys46Glyfs*3) in the PDZD7 gene. It is expected to result in an absent or disrupted protein product. Loss-of-function variants in PDZD7 are known to be pathogenic (PMID: 20440071).

Literature cited by the submitters: PubMed 20440071.